The following is an entry in ClinVar:

NM_005159.5(ACTC1):c.444C>G (p.Gly148=)

Genes: ACTC1 (actin alpha cardiac muscle 1; minus strand), GJD2-DT (GJD2 divergent transcript; plus strand). Cytogenetic location: 15q14.
Variant type: single nucleotide variant.
Coding change: c.444C>G on transcript NM_005159.5 (MANE Select); coding-DNA position 444, C replaced by G.
Protein change: p.Gly148=; no amino-acid change (glycine 148 retained).
Molecular consequence: synonymous variant. On other transcripts: intron variant (1).
Genome position (GRCh38, 1-based): chr15:34,793,255, G>C on the plus strand (C>G on the coding strand, the complement: ACTC1 is on the minus strand). VCF-style: chr15-34793255-G-C. GRCh37 (hg19) VCF-style: chr15-35085456-G-C.
Other names: c.444C>G, p.Gly148= (NM_001406482.1, NM_001406483.1); c.309C>G, p.Gly103= (NM_001406484.1); c.13+43C>G (NM_001406485.1).
Identifiers: ClinVar variation 3075656 (VCV003075656.1), dbSNP rs2504182504, ClinGen allele CA489655624.

ClinVar aggregate classification (germline): Likely benign (1 of 4 stars; one submission).

Conditions:
Hypertrophic cardiomyopathy. Also called: HYPERTROPHIC MYOCARDIOPATHY. Identifiers: Orphanet 217569, MedGen C0007194, MeSH D002312, MONDO:0005045, HP:0001639.

Submission:

All of Us Research Program, National Institutes of Health
Classification: Likely benign for Hypertrophic cardiomyopathy. Last evaluated: 2023-03-23. Review status: criteria provided, single submitter. Criteria: ACMG Guidelines, 2015. Collection method: clinical testing. Allele origin: germline. Inheritance: Autosomal dominant inheritance. Observed: 1 variant allele, 1 heterozygote.
Comment: This study involves interpretation of variants in research participants for the purpose of population health screening. Participant phenotype was not available at the time of variant classification. Additional details can be found in publication PMID: 35346344, PMCID: PMC8962531